The following is an entry in ClinVar:

ClinVar aggregate classification (germline): Uncertain significance (1 of 4 stars; one submission).

Conditions:
Hyper-IgE recurrent infection syndrome 3, autosomal recessive. Also called: Autosomal recessive hyper-IgE syndrome due to ZNF341 deficiency; HYPER-IgE SYNDROME 3, AUTOSOMAL RECESSIVE, WITH RECURRENT INFECTIONS. Identifiers: Orphanet 641368, MedGen C4748969, MONDO:0032654, OMIM 618282.

Allele frequency attached by ClinVar (database versions not stated): ESP Exome Variant Server 0.00008; gnomAD exomes 0.00001 and 0.00003; TOPMed 0.00001; ExAC 0.00002.
gnomAD v4.1: 17 of 1,614,020 alleles (0.0011%); highest among the groups gnomAD compares: Middle Eastern, 0.049%; no homozygotes.

Submission:

Labcorp Genetics (formerly Invitae), Labcorp
Classification: Uncertain significance for Combined immunodeficiency due to DOCK8 deficiency. Last evaluated: 2022-09-07. Review status: criteria provided, single submitter. Criteria: Invitae Variant Classification Sherloc (09022015). Collection method: clinical testing. Allele origin: germline.
Comment: In summary, the available evidence is currently insufficient to determine the role of this variant in disease. Therefore, it has been classified as a Variant of Uncertain Significance. Algorithms developed to predict the effect of sequence changes on RNA splicing suggest that this variant may create or strengthen a splice site. Algorithms developed to predict the effect of missense changes on protein structure and function are either unavailable or do not agree on the potential impact of this missense change (SIFT: "Tolerated"; PolyPhen-2: "Probably Damaging"; Align-GVGD: "Class C0"). ClinVar contains an entry for this variant (Variation ID: 1485576). This variant has not been reported in the literature in individuals affected with DOCK8-related conditions. This variant is present in population databases (rs368725266, gnomAD 0.02%). This sequence change replaces glycine, which is neutral and non-polar, with arginine, which is basic and polar, at codon 607 of the DOCK8 protein (p.Gly607Arg).

NM_203447.4(DOCK8):c.1819G>A (p.Gly607Arg)

Gene: DOCK8 (dedicator of cytokinesis 8; plus strand). Cytogenetic location: 9p24.3.
Variant type: single nucleotide variant.
Coding change: c.1819G>A on transcript NM_203447.4 (MANE Select); coding-DNA position 1819, G replaced by A.
Protein change: p.Gly607Arg; replaces glycine 607 with arginine.
Molecular consequence: missense variant.
Genome position (GRCh38, 1-based): chr9:370,251, G>A. VCF-style: chr9-370251-G-A. GRCh37 (hg19) VCF-style: chr9-370251-G-A.
Other names: c.1615G>A, p.Gly539Arg (NM_001190458.2, NM_001193536.2); short protein forms G607R, G539R.
Identifiers: ClinVar variation 1485576 (VCV001485576.6), dbSNP rs368725266, ClinGen allele CA4957957.